The following is an entry in ClinVar:

NC_000001.10:g.(?_19549098)_(19578003_?)dup

Gene: EMC1 (ER membrane protein complex subunit 1; minus strand). Cytogenetic location: 1p36.13.
Variant type: Duplication.
Identifiers: ClinVar variation 2426046 (VCV002426046.4).

ClinVar aggregate classification (germline): Uncertain significance (1 of 4 stars; one submission).

Submission:

Labcorp Genetics (formerly Invitae), Labcorp
Classification: Uncertain significance. Last evaluated: 2022-07-03. Review status: criteria provided, single submitter. Criteria: Invitae Variant Classification Sherloc (09022015). Collection method: clinical testing. Allele origin: germline.
Comment: In summary, the available evidence is currently insufficient to determine the role of this variant in disease. Therefore, it has been classified as a Variant of Uncertain Significance. This variant has not been reported in the literature in individuals affected with EMC1-related conditions. This variant results in a copy number gain of the genomic region encompassing exon(s) 1-20 of the EMC1 gene. This region includes the initiator codon of the gene. This copy number gain extends beyond the assayed region for this gene and therefore may encompass additional genes. As the precise location of this event is unknown, it may be in tandem or it may be located elsewhere in the genome.